The following is an entry in ClinVar:

NM_002582.4(PARN):c.337_354del (p.Ile113_Ser118del)

Gene: PARN (poly(A)-specific ribonuclease; minus strand). Cytogenetic location: 16p13.12.
Variant type: Deletion.
Coding change: c.337_354del on transcript NM_002582.4 (MANE Select); coding-DNA positions 337 to 354, 18 bases deleted (ATTGACTTTCTAGCAAGC).
Protein change: p.Ile113_Ser118del.
Genome position (GRCh38, 1-based): chr16:14,617,624-14,617,641, GCTTGCTAGAAAGTCAAT deleted on the plus strand (ATTGACTTTCTAGCAAGC on the coding strand, the reverse complement: PARN is on the minus strand); deleting any 18 consecutive bases within chr16:14,617,624-14,617,644 gives the same sequence; the c. name uses the placement nearest the transcript's 3' end. VCF-style (leftmost placement, unchanged base first): chr16-14617623-GGCTTGCTAGAAAGTCAAT-G. GRCh37 (hg19) VCF-style: chr16-14711480-GGCTTGCTAGAAAGTCAAT-G.
Other names: c.154_171del, p.Ile52_Ser57del (NM_001134477.3); c.199_216del, p.Ile67_Ser72del (NM_001242992.2).
Identifiers: ClinVar variation 4795283 (VCV004795283.1).

ClinVar aggregate classification (germline): Uncertain significance (1 of 4 stars; one submission).

Submission:

GeneDx
Classification: Uncertain significance. Last evaluated: 2025-08-14. Review status: criteria provided, single submitter. Criteria: GeneDx Variant Classification Process June 2021. Collection method: clinical testing. Allele origin: germline. Affected: yes.
Comment: Not observed at significant frequency in large population cohorts (gnomAD); In-frame deletion of 6 amino acid(s) in a non-repeat region; In silico analysis supports a deleterious effect on protein structure/function; Has not been previously published as pathogenic or benign to our knowledge